The following is an entry in ClinVar:

ClinVar aggregate classification (germline): Uncertain significance. Review status: criteria provided, multiple submitters, no conflicts (2 of 4 stars). 2 submissions from 2 submitters: Uncertain significance (2). Last evaluated 2025-05-20.

Conditions:
Inborn genetic diseases. Identifiers: MedGen C0950123, MeSH D030342.
Spastic ataxia 2. Also called: Ataxia, spastic, 2, autosomal recessive. Identifiers: Orphanet 397946, MedGen C1969796, MONDO:0012651, OMIM 611302.

Allele frequency attached by ClinVar (database versions not stated): gnomAD 0.00003; TOPMed 0.00003; ExAC 0.00006; 1000 Genomes Project 30x 0.00016; 1000 Genomes Project 0.00020; ESP Exome Variant Server 0.00023.

Submissions (2):

Ambry Genetics
Classification: Uncertain significance for Inborn genetic diseases. Last evaluated: 2025-05-20. Review status: criteria provided, single submitter. Criteria: Ambry Variant Classification Scheme 2023. Collection method: clinical testing. Allele origin: germline.

Labcorp Genetics (formerly Invitae), Labcorp
Classification: Uncertain significance for Spastic ataxia 2. Last evaluated: 2024-01-25. Review status: criteria provided, single submitter. Criteria: Invitae Variant Classification Sherloc (09022015). Collection method: clinical testing. Allele origin: germline.
Comment: This sequence change replaces arginine, which is basic and polar, with histidine, which is basic and polar, at codon 129 of the KIF1C protein (p.Arg129His). This variant is present in population databases (rs150602558, gnomAD 0.01%). This variant has not been reported in the literature in individuals affected with KIF1C-related conditions. ClinVar contains an entry for this variant (Variation ID: 2462099). Advanced modeling of protein sequence and biophysical properties (such as structural, functional, and spatial information, amino acid conservation, physicochemical variation, residue mobility, and thermodynamic stability) performed at Invitae indicates that this missense variant is not expected to disrupt KIF1C protein function with a negative predictive value of 80%. In summary, the available evidence is currently insufficient to determine the role of this variant in disease. Therefore, it has been classified as a Variant of Uncertain Significance.

NM_006612.6(KIF1C):c.386G>A (p.Arg129His)

Gene: KIF1C (kinesin family member 1C; plus strand). Cytogenetic location: 17p13.2.
Variant type: single nucleotide variant.
Coding change: c.386G>A on transcript NM_006612.6 (MANE Select); coding-DNA position 386, G replaced by A.
Protein change: p.Arg129His; replaces arginine 129 with histidine.
Molecular consequence: missense variant.
Genome position (GRCh38, 1-based): chr17:5,002,081, G>A. VCF-style: chr17-5002081-G-A. GRCh37 (hg19) VCF-style: chr17-4905376-G-A.
Other names: short protein forms R129H.
Identifiers: ClinVar variation 2462099 (VCV002462099.6), dbSNP rs150602558, ClinGen allele CA8318542.